The following is an entry in ClinVar:

NM_005502.4(ABCA1):c.6421A>G (p.Ile2141Val)

Genes: ABCA1 (ATP binding cassette subfamily A member 1; minus strand), NIPSNAP3B (nipsnap homolog 3B; plus strand). Cytogenetic location: 9q31.1.
Variant type: single nucleotide variant.
Coding change: c.6421A>G on transcript NM_005502.4 (MANE Select); coding-DNA position 6421, A replaced by G.
Protein change: p.Ile2141Val; replaces isoleucine 2141 with valine.
Molecular consequence: missense variant.
Genome position (GRCh38, 1-based): chr9:104,785,620, T>C on the plus strand (A>G on the coding strand, the complement: ABCA1 is on the minus strand). VCF-style: chr9-104785620-T-C. GRCh37 (hg19) VCF-style: chr9-107547901-T-C.
Other names: short protein forms I2141V.
Identifiers: ClinVar variation 1925615 (VCV001925615.5), dbSNP rs1279708556, ClinGen allele CA374311732.

ClinVar aggregate classification (germline): Uncertain significance. Review status: criteria provided, multiple submitters, no conflicts (2 of 4 stars). 2 submissions from 2 submitters: Uncertain significance (2). Last evaluated 2024-11-04.

Allele frequency attached by ClinVar (database versions not stated): TOPMed below 0.00001; gnomAD exomes 0.00001.
gnomAD v4.1: 17 of 1,614,036 alleles (0.0011%); highest among the groups gnomAD compares: Non-Finnish European, 0.0014%; no homozygotes.

Submissions (2):

Women's Health and Genetics/Laboratory Corporation of America, LabCorp
Classification: Uncertain significance. Last evaluated: 2024-11-04. Review status: criteria provided, single submitter. Criteria: LabCorp Variant Classification Summary - May 2015. Collection method: clinical testing. Allele origin: germline.

Labcorp Genetics (formerly Invitae), Labcorp
Classification: Uncertain significance. Last evaluated: 2022-04-01. Review status: criteria provided, single submitter. Criteria: Invitae Variant Classification Sherloc (09022015). Collection method: clinical testing. Allele origin: germline.
Comment: This sequence change replaces isoleucine, which is neutral and non-polar, with valine, which is neutral and non-polar, at codon 2141 of the ABCA1 protein (p.Ile2141Val). This variant is present in population databases (no rsID available, gnomAD 0.0009%). This variant has not been reported in the literature in individuals affected with ABCA1-related conditions. Advanced modeling of protein sequence and biophysical properties (such as structural, functional, and spatial information, amino acid conservation, physicochemical variation, residue mobility, and thermodynamic stability) performed at Invitae indicates that this missense variant is not expected to disrupt ABCA1 protein function. In summary, the available evidence is currently insufficient to determine the role of this variant in disease. Therefore, it has been classified as a Variant of Uncertain Significance.